The following is an entry in ClinVar:

NM_000138.5(FBN1):c.6532_6540del (p.Asn2178_Thr2180del)

Gene: FBN1 (fibrillin 1; minus strand). Cytogenetic location: 15q21.1.
Variant type: Deletion.
Coding change: c.6532_6540del on transcript NM_000138.5 (MANE Select); coding-DNA positions 6532 to 6540, 9 bases deleted (AATGGAACC; older notation c.6532_6540delAATGGAACC).
Protein change: p.Asn2178_Thr2180del.
Molecular consequence: inframe deletion.
Genome position (GRCh38, 1-based): chr15:48,434,670-48,434,678, GGTTCCATT deleted on the plus strand (AATGGAACC on the coding strand, the reverse complement: FBN1 is on the minus strand). VCF-style (leftmost placement, unchanged base first): chr15-48434669-AGGTTCCATT-A. GRCh37 (hg19) VCF-style: chr15-48726866-AGGTTCCATT-A.
Other names: c.6532_6540del, p.Asn2178_Thr2180del (NM_001406716.1).
Identifiers: ClinVar variation 3759976 (VCV003759976.2).
Genomic context (GRCh38, chr15:48,434,669, plus strand): 5'-TTGGACCGGGCTCAAATCCCTCCTCGCAGGTGCATTCAAAACCTCCAATCACATTCTTGC[AGGTTCCATT>A]TCCACAAGGATTGCCAACAGAACATTCATCAGTATCTGCAAGAAACCAGGAATGTGTCCA-3'

ClinVar aggregate classification (germline): Uncertain significance (1 of 4 stars; one submission).

Conditions:
Marfan syndrome (MFS). Also called: MARFAN SYNDROME, TYPE I; Marfan syndrome type 1; Marfan's syndrome; Marfan syndrome, classic; FBN1-Related Marfan Syndrome. Identifiers: Orphanet 284963, Orphanet 558, MedGen C0024796, MONDO:0007947, OMIM 154700.
Familial thoracic aortic aneurysm and aortic dissection (TAAD). Also called: Thoracic aortic aneurysms and dissections. Identifiers: Orphanet 91387, MedGen C4707243, MONDO:0019625.

Submission:

Labcorp Genetics (formerly Invitae), Labcorp
Classification: Uncertain significance for Marfan syndrome; Familial thoracic aortic aneurysm and aortic dissection. Last evaluated: 2024-12-05. Review status: criteria provided, single submitter. Criteria: Invitae Variant Classification Sherloc (09022015). Collection method: clinical testing. Allele origin: germline.
Comment: This variant, c.6532_6540del, results in the deletion of 3 amino acid(s) of the FBN1 protein (p.Asn2178_Thr2180del), but otherwise preserves the integrity of the reading frame. This variant is not present in population databases (gnomAD no frequency). This variant has not been reported in the literature in individuals affected with FBN1-related conditions. Experimental studies and prediction algorithms are not available or were not evaluated, and the functional significance of this variant is currently unknown. This variant disrupts a region of the FBN1 protein in which other variant(s) (p.Asn2178Ser) have been observed in individuals with FBN1-related conditions (internal data). This suggests that this is a clinically significant region of the protein, and that variants that disrupt it are likely to be disease-causing. In summary, the available evidence is currently insufficient to determine the role of this variant in disease. Therefore, it has been classified as a Variant of Uncertain Significance.